The following is an entry in ClinVar:

NM_004385.5(VCAN):c.8563G>A (p.Gly2855Ser)

Genes: VCAN-AS1 (VCAN antisense RNA 1; minus strand), VCAN (versican; plus strand). Cytogenetic location: 5q14.3.
Variant type: single nucleotide variant.
Coding change: c.8563G>A on transcript NM_004385.5 (MANE Select); coding-DNA position 8563, G replaced by A.
Protein change: p.Gly2855Ser; replaces glycine 2855 with serine.
Molecular consequence: missense variant. On other transcripts: intron variant (2).
Genome position (GRCh38, 1-based): chr5:83,541,566, G>A. VCF-style: chr5-83541566-G-A. GRCh37 (hg19) VCF-style: chr5-82837385-G-A.
Other names: c.5602G>A, p.Gly1868Ser (NM_001164097.2); c.4004-3971G>A (NM_001164098.2); c.1043-3971G>A (NM_001126336.3); short protein forms G1868S, G2855S.
Identifiers: ClinVar variation 1057058 (VCV001057058.9), dbSNP rs746413516, ClinGen allele CA3333831.
Genomic context (GRCh38, chr5:83,541,566, plus strand): 5'-AGTGAAGCCTCTGGACACACAGAGATCCCCCAGCCCAGTGCTCTGCCAGGAATAGACGTC[G>A]GCTCATCTGTAATGTCCCCACAGGATTCTTTTAAGGAAATTCATGTAAATATTGAAGCGA-3'
Protein context (NP_004376.2, residues 2845-2865): QPSALPGIDV[Gly2855Ser]SSVMSPQDSF

ClinVar aggregate classification (germline): Uncertain significance (1 of 4 stars; one submission).

Allele frequency attached by ClinVar (database versions not stated): ExAC 0.00001; gnomAD exomes 0.00001 and 0.00002; TOPMed 0.00001.
gnomAD v4.1: 16 of 1,613,786 alleles (0.00099%); highest among the groups gnomAD compares: Middle Eastern, 0.017%; no homozygotes.

Submission:

Labcorp Genetics (formerly Invitae), Labcorp
Classification: Uncertain significance. Last evaluated: 2025-10-13. Review status: criteria provided, single submitter. Criteria: Invitae Variant Classification Sherloc (09022015). Collection method: clinical testing. Allele origin: germline.
Comment: This sequence change replaces glycine, which is neutral and non-polar, with serine, which is neutral and polar, at codon 2855 of the VCAN protein (p.Gly2855Ser). This variant is present in population databases (rs746413516, gnomAD 0.01%). This variant has not been reported in the literature in individuals affected with VCAN-related conditions. ClinVar contains an entry for this variant (Variation ID: 1057058). An algorithm developed to predict the effect of missense changes on protein structure and function outputs the following: PolyPhen-2: "Benign". The serine amino acid residue is found in multiple mammalian species, which suggests that this missense change does not adversely affect protein function. In summary, the available evidence is currently insufficient to determine the role of this variant in disease. Therefore, it has been classified as a Variant of Uncertain Significance.